The following is an entry in ClinVar:

ClinVar aggregate classification (germline): Benign (0 of 4 stars; one submission).

Conditions:
MACROD2-related disorder. Also called: MACROD2-related condition.

Allele frequency attached by ClinVar (database versions not stated): 1000 Genomes Project 0.01438; 1000 Genomes Project 30x 0.01577; TOPMed 0.03481; ESP Exome Variant Server 0.04190; gnomAD 0.04299; ExAC 0.04650; gnomAD exomes 0.05577.
gnomAD v4.1: 87,242 of 1,608,954 alleles (5.4%); highest among the groups gnomAD compares: Non-Finnish European, 6.2%; 2,833 homozygotes.

Submissions (16):

PreventionGenetics, part of Exact Sciences
Classification: Benign for MACROD2-related condition. Last evaluated: 2019-07-15. Review status: no assertion criteria provided. Collection method: clinical testing. Allele origin: germline.
Comment: This variant is classified as benign based on ACMG/AMP sequence variant interpretation guidelines (Richards et al. 2015 PMID: 25741868, with internal and published modifications).

Dr. Peter K. Rogan Lab, Western University
No classification provided (evidence only). Condition: Colon adenocarcinoma. Review status: no classification provided. Collection method: in vitro. Allele origin: not applicable. Functional consequence: skipped exon. Not counted in ClinVar's aggregate classification.

Dr. Peter K. Rogan Lab, Western University
No classification provided (evidence only). Condition: Uterine corpus endometrial carcinoma. Review status: no classification provided. Collection method: in vitro. Allele origin: not applicable. Functional consequence: skipped exon, retained intron. Not counted in ClinVar's aggregate classification.

Dr. Peter K. Rogan Lab, Western University
No classification provided (evidence only). Condition: Uterine corpus endometrial carcinoma. Review status: no classification provided. Collection method: in vitro. Allele origin: not applicable. Functional consequence: skipped exon. Not counted in ClinVar's aggregate classification.

Dr. Peter K. Rogan Lab, Western University
No classification provided (evidence only). Condition: Uterine corpus endometrial carcinoma. Review status: no classification provided. Collection method: in vitro. Allele origin: not applicable. Functional consequence: retained intron. Not counted in ClinVar's aggregate classification.

Dr. Peter K. Rogan Lab, Western University
No classification provided (evidence only). Condition: Uterine corpus endometrial carcinoma. Review status: no classification provided. Collection method: in vitro. Allele origin: not applicable. Functional consequence: skipped exon. Not counted in ClinVar's aggregate classification.

Dr. Peter K. Rogan Lab, Western University
No classification provided (evidence only). Condition: Uterine corpus endometrial carcinoma. Review status: no classification provided. Collection method: in vitro. Allele origin: not applicable. Functional consequence: skipped exon. Not counted in ClinVar's aggregate classification.

Dr. Peter K. Rogan Lab, Western University
No classification provided (evidence only). Condition: Cervical cancer. Review status: no classification provided. Collection method: in vitro. Allele origin: not applicable. Functional consequence: retained intron. Not counted in ClinVar's aggregate classification.

Dr. Peter K. Rogan Lab, Western University
No classification provided (evidence only). Condition: Malignant lymphoma, large B-cell, diffuse. Review status: no classification provided. Collection method: in vitro. Allele origin: not applicable. Functional consequence: skipped exon. Not counted in ClinVar's aggregate classification.

Dr. Peter K. Rogan Lab, Western University
No classification provided (evidence only). Condition: Nonpapillary renal cell carcinoma. Review status: no classification provided. Collection method: in vitro. Allele origin: not applicable. Functional consequence: skipped exon. Not counted in ClinVar's aggregate classification.

Dr. Peter K. Rogan Lab, Western University
No classification provided (evidence only). Condition: Nonpapillary renal cell carcinoma. Review status: no classification provided. Collection method: in vitro. Allele origin: not applicable. Functional consequence: retained intron. Not counted in ClinVar's aggregate classification.

Dr. Peter K. Rogan Lab, Western University
No classification provided (evidence only). Condition: Thymoma. Review status: no classification provided. Collection method: in vitro. Allele origin: not applicable. Functional consequence: skipped exon. Not counted in ClinVar's aggregate classification.

Dr. Peter K. Rogan Lab, Western University
No classification provided (evidence only). Condition: Thymoma. Review status: no classification provided. Collection method: in vitro. Allele origin: not applicable. Functional consequence: skipped exon. Not counted in ClinVar's aggregate classification.

Dr. Peter K. Rogan Lab, Western University
No classification provided (evidence only). Condition: Thymoma. Review status: no classification provided. Collection method: in vitro. Allele origin: not applicable. Functional consequence: skipped exon, retained intron. Not counted in ClinVar's aggregate classification.

Dr. Peter K. Rogan Lab, Western University
No classification provided (evidence only). Condition: Thymoma. Review status: no classification provided. Collection method: in vitro. Allele origin: not applicable. Functional consequence: skipped exon, retained intron. Not counted in ClinVar's aggregate classification.

Dr. Peter K. Rogan Lab, Western University
No classification provided (evidence only). Condition: Adrenocortical carcinoma, hereditary. Review status: no classification provided. Collection method: in vitro. Allele origin: not applicable. Functional consequence: skipped exon. Not counted in ClinVar's aggregate classification.

NM_001351661.2(MACROD2):c.1300+5G>T

Gene: MACROD2 (mono-ADP ribosylhydrolase 2; plus strand). Cytogenetic location: 20p12.1.
Variant type: single nucleotide variant.
Coding change: c.1300+5G>T on transcript NM_001351661.2 (MANE Select); 5 bases into the intron after coding-DNA position 1300, G replaced by T.
Molecular consequence: intron variant.
Genome position (GRCh38, 1-based): chr20:16,044,644, G>T. VCF-style: chr20-16044644-G-T. GRCh37 (hg19) VCF-style: chr20-16025289-G-T.
Other names: NC_000020.10:g.16025289G>T; c.1300+5G>T (NM_001351663.2); c.1231+3366G>T (NM_080676.6); c.676+5G>T (NM_001351664.2); c.595+5G>T (NM_001033087.2).
Identifiers: ClinVar variation 3038091 (VCV003038091.3), dbSNP rs80044408, ClinGen allele CA9769603.